The following is an entry in ClinVar:

NM_000548.5(TSC2):c.2167A>T (p.Ile723Phe)

Gene: TSC2 (TSC complex subunit 2; plus strand). Cytogenetic location: 16p13.3.
Variant type: single nucleotide variant.
Coding change: c.2167A>T on transcript NM_000548.5 (MANE Select); coding-DNA position 2167, A replaced by T.
Protein change: p.Ile723Phe; replaces isoleucine 723 with phenylalanine.
Molecular consequence: missense variant.
Genome position (GRCh38, 1-based): chr16:2,072,310, A>T. VCF-style: chr16-2072310-A-T. GRCh37 (hg19) VCF-style: chr16-2122311-A-T.
Other names: c.2167A>T, p.Ile723Phe (NM_001363528.2, NM_001370404.1, NM_001370405.1 and 3 more transcripts); c.2056A>T, p.Ile686Phe (NM_001318827.2); c.2020A>T, p.Ile674Phe (NM_001318829.2); c.1567A>T, p.Ile523Phe (NM_001318831.2); c.2200A>T, p.Ile734Phe (NM_001318832.2); short protein forms I723F, I523F, I686F, I734F, I674F.
Identifiers: ClinVar variation 237984 (VCV000237984.12), dbSNP rs764725850, ClinGen allele CA10583306.

ClinVar aggregate classification (germline): Conflicting classifications of pathogenicity. Review status: criteria provided, conflicting classifications (1 of 4 stars). 2 submissions from 2 submitters: Uncertain significance (1); Benign (1). Last evaluated 2025-03-07.

Conditions:
Hereditary cancer-predisposing syndrome. Also called: Tumor predisposition; Hereditary Cancer Syndrome; Hereditary neoplastic syndrome; Neoplastic Syndromes, Hereditary. Identifiers: Orphanet 140162, MedGen C0027672, MeSH D009386, MONDO:0015356.
Tuberous sclerosis 2 (TSC2). Identifiers: Orphanet 805, MedGen C1860707, MONDO:0013199, OMIM 613254.

gnomAD v4.1: 2 of 1,614,146 alleles (0.00012%); highest among the groups gnomAD compares: Non-Finnish European, 0.000085%; no homozygotes.

Submissions (2):

Ambry Genetics
Classification: Uncertain significance for Hereditary cancer-predisposing syndrome. Last evaluated: 2025-03-07. Review status: criteria provided, single submitter. Criteria: Ambry Variant Classification Scheme 2023. Collection method: clinical testing. Allele origin: germline.
Comment: The p.I723F variant (also known as c.2167A>T), located in coding exon 19 of the TSC2 gene, results from an A to T substitution at nucleotide position 2167. The isoleucine at codon 723 is replaced by phenylalanine, an amino acid with highly similar properties. This amino acid position is not well conserved in available vertebrate species. In addition, the in silico prediction for this alteration is inconclusive. Based on the available evidence, the clinical significance of this variant remains unclear.

Labcorp Genetics (formerly Invitae), Labcorp
Classification: Benign for Tuberous sclerosis 2. Last evaluated: 2023-09-03. Review status: criteria provided, single submitter. Criteria: Invitae Variant Classification Sherloc (09022015). Collection method: clinical testing. Allele origin: germline.